The following is an entry in ClinVar:

ClinVar aggregate classification (germline): Uncertain significance (1 of 4 stars; one submission).

Submission:

Labcorp Genetics (formerly Invitae), Labcorp
Classification: Uncertain significance. Last evaluated: 2022-05-19. Review status: criteria provided, single submitter. Criteria: Invitae Variant Classification Sherloc (09022015). Collection method: clinical testing. Allele origin: germline.
Comment: This variant is not present in population databases (gnomAD no frequency). This sequence change falls in intron 13 of the AGPS gene. It does not directly change the encoded amino acid sequence of the AGPS protein. It affects a nucleotide within the consensus splice site. This variant has not been reported in the literature in individuals affected with AGPS-related conditions. In summary, the available evidence is currently insufficient to determine the role of this variant in disease. Therefore, it has been classified as a Variant of Uncertain Significance. Variants that disrupt the consensus splice site are a relatively common cause of aberrant splicing (PMID: 17576681, 9536098). Algorithms developed to predict the effect of sequence changes on RNA splicing suggest that this variant is not likely to affect RNA splicing.

Literature cited by the submitters: PubMed 17576681; PubMed 9536098.

NM_003659.4(AGPS):c.1362+3A>G

Gene: AGPS (alkylglycerone phosphate synthase; plus strand). Cytogenetic location: 2q31.2.
Variant type: single nucleotide variant.
Coding change: c.1362+3A>G on transcript NM_003659.4 (MANE Select); 3 bases into the intron after coding-DNA position 1362, A replaced by G.
Molecular consequence: intron variant.
Genome position (GRCh38, 1-based): chr2:177,497,768, A>G. VCF-style: chr2-177497768-A-G. GRCh37 (hg19) VCF-style: chr2-178362496-A-G.
Identifiers: ClinVar variation 1996591 (VCV001996591.4), dbSNP rs1183233931, ClinGen allele CA2580064557.